The following is an entry in ClinVar:

ClinVar aggregate classification (germline): Pathogenic (1 of 4 stars; one submission).

Conditions:
Autosomal dominant nocturnal frontal lobe epilepsy 5. Also called: Epilepsy, nocturnal frontal lobe, 5; CILIARY DYSKINESIA, PRIMARY, 28, WITHOUT SITUS INVERSUS; CILIARY DYSKINESIA, PRIMARY, 28, WITH SITUS INVERSUS; KCNT1-Related Epilepsy. Identifiers: Orphanet 98784, MedGen C3554306, MONDO:0014002, OMIM 615005.
Developmental and epileptic encephalopathy, 14 (DEE14). Also called: Early infantile epileptic encephalopathy 14. Identifiers: Orphanet 293181, MedGen C3554195, MONDO:0013989, OMIM 614959.

Allele frequency attached by ClinVar (database versions not stated): gnomAD exomes below 0.00001.
gnomAD v4.1: 1 of 1,602,986 alleles (0.000062%); highest among the groups gnomAD compares: Non-Finnish European, 0.000085%; no homozygotes.

Submission:

Labcorp Genetics (formerly Invitae), Labcorp
Classification: Pathogenic for Autosomal dominant nocturnal frontal lobe epilepsy 5; Developmental and epileptic encephalopathy, 14. Last evaluated: 2019-12-15. Review status: criteria provided, single submitter. Criteria: Invitae Variant Classification Sherloc (09022015). Collection method: clinical testing. Allele origin: germline.
Comment: Algorithms developed to predict the effect of sequence changes on RNA splicing suggest that this variant may disrupt the consensus splice site, but this prediction has not been confirmed by published transcriptional studies. This variant has been observed in individual(s) with KCNT1-related disease (Invitae). In at least one individual the variant was observed to be de novo. This variant is not present in population databases (ExAC no frequency). This sequence change affects a donor splice site in intron 25 of the KCNT1 gene. It is expected to disrupt RNA splicing and likely results in an absent or disrupted protein product. For these reasons, this variant has been classified as Pathogenic.

NM_020822.3(KCNT1):c.2943+1G>C

Gene: KCNT1 (potassium sodium-activated channel subfamily T member 1; plus strand). Cytogenetic location: 9q34.3.
Variant type: single nucleotide variant.
Coding change: c.2943+1G>C on transcript NM_020822.3 (MANE Select); the canonical splice donor site of the intron after coding-DNA position 2943, G replaced by C.
Molecular consequence: splice donor variant.
Genome position (GRCh38, 1-based): chr9:135,784,126, G>C. VCF-style: chr9-135784126-G-C. GRCh37 (hg19) VCF-style: chr9-138675972-G-C.
Other names: c.2808+1G>C (NM_001272003.2).
Identifiers: ClinVar variation 853172 (VCV000853172.10), dbSNP rs1833833144, ClinGen allele CA375517674.
Genomic context (GRCh38, chr9:135,784,126, plus strand): 5'-CTGCCGTTCGCCGCCGGCCGCGTCTTCAGCATCAGCATGTTGGACACACTGCTCTACCAG[G>C]TCAGCGGGGAAGCGGCAGCAGGAGGGTGGCGCCTGGGTGGGACCCCCGTCATGCCCTCAG-3'